The following is an entry in ClinVar:

NM_005205.4(COX6A2):c.219C>T (p.Pro73=)

Gene: COX6A2 (cytochrome c oxidase subunit 6A2; minus strand). Cytogenetic location: 16p11.2.
Variant type: single nucleotide variant.
Coding change: c.219C>T on transcript NM_005205.4 (MANE Select); coding-DNA position 219, C replaced by T.
Protein change: p.Pro73=; no amino-acid change (proline 73 retained).
Molecular consequence: synonymous variant.
Genome position (GRCh38, 1-based): chr16:31,427,849, G>A on the plus strand (C>T on the coding strand, the complement: COX6A2 is on the minus strand). VCF-style: chr16-31427849-G-A. GRCh37 (hg19) VCF-style: chr16-31439170-G-A.
Other names: p.Pro73=.
Identifiers: ClinVar variation 3059761 (VCV003059761.3), dbSNP rs12240, ClinGen allele CA8029072.

ClinVar aggregate classification (germline): Benign. Review status: criteria provided, single submitter (1 of 4 stars). 2 submissions from 2 submitters: Benign (1). 1 of the submissions does not count toward it. Last evaluated 2022-10-27.

Conditions:
COX6A2-related disorder. Also called: COX6A2-related condition.

Allele frequency attached by ClinVar (database versions not stated): 1000 Genomes Project 30x 0.08260; TOPMed 0.07228; ESP Exome Variant Server 0.08004; 1000 Genomes Project 0.08407; gnomAD 0.07583; ExAC 0.09068; gnomAD exomes 0.07700.

Submissions (2):

Mayo Clinic Laboratories, Mayo Clinic
Classification: Benign. Last evaluated: 2022-10-27. Review status: criteria provided, single submitter. Criteria: ACMG Guidelines, 2015. Collection method: clinical testing. Allele origin: germline. Observed: 34 variant alleles.

PreventionGenetics, part of Exact Sciences
Classification: Benign for COX6A2-related condition. Last evaluated: 2019-12-09. Review status: no assertion criteria provided. Collection method: clinical testing. Allele origin: germline. Not counted in ClinVar's aggregate classification.
Comment: This variant is classified as benign based on ACMG/AMP sequence variant interpretation guidelines (Richards et al. 2015 PMID: 25741868, with internal and published modifications).